The following is an entry in ClinVar:

NM_000047.3(ARSL):c.934G>C (p.Gly312Arg)

Gene: ARSL (arylsulfatase L; minus strand). Cytogenetic location: Xp22.33.
Variant type: single nucleotide variant.
Coding change: c.934G>C on transcript NM_000047.3 (MANE Select); coding-DNA position 934, G replaced by C.
Protein change: p.Gly312Arg; replaces glycine 312 with arginine.
Molecular consequence: missense variant.
Genome position (GRCh38, 1-based): chrX:2,946,055, C>G on the plus strand (G>C on the coding strand, the complement: ARSL is on the minus strand). VCF-style: chrX-2946055-C-G. GRCh37 (hg19) VCF-style: chrX-2864096-C-G.
Other names: c.1009G>C, p.Gly337Arg (NM_001282628.2, NM_001369080.1); c.772G>C, p.Gly258Arg (NM_001282631.2); c.961G>C, p.Gly321Arg (NM_001369079.1); short protein forms G312R, G337R, G258R, G321R.
Identifiers: ClinVar variation 2883864 (VCV002883864.1), dbSNP rs773935389, ClinGen allele CA326006489.

ClinVar aggregate classification (germline): Uncertain significance (1 of 4 stars; one submission).

Conditions:
Chondrodysplasia punctata, brachytelephalangic, autosomal. Also called: BRACHYTELEPHALANGIC CHONDRODYSPLASIA PUNCTATA. Identifiers: MedGen C1844853, MONDO:0011238, OMIM 602497.

Allele frequency attached by ClinVar (database versions not stated): TOPMed 0.00002.
gnomAD v4.1: 7 of 1,208,478 alleles (0.00058%); highest among the groups gnomAD compares: Non-Finnish European, 0.00067%; no homozygotes.

Submission:

Labcorp Genetics (formerly Invitae), Labcorp
Classification: Uncertain significance for Chondrodysplasia punctata, brachytelephalangic, autosomal. Last evaluated: 2024-01-06. Review status: criteria provided, single submitter. Criteria: Invitae Variant Classification Sherloc (09022015). Collection method: clinical testing. Allele origin: germline.
Comment: This sequence change replaces glycine, which is neutral and non-polar, with arginine, which is basic and polar, at codon 312 of the ARSE protein (p.Gly312Arg). This variant is present in population databases (no rsID available, gnomAD 0.001%). This variant has not been reported in the literature in individuals affected with ARSE-related conditions. Advanced modeling of protein sequence and biophysical properties (such as structural, functional, and spatial information, amino acid conservation, physicochemical variation, residue mobility, and thermodynamic stability) has been performed at Invitae for this missense variant, however the output from this modeling did not meet the statistical confidence thresholds required to predict the impact of this variant on ARSE protein function. In summary, the available evidence is currently insufficient to determine the role of this variant in disease. Therefore, it has been classified as a Variant of Uncertain Significance.